The following is an entry in ClinVar:

NM_001680.5(FXYD2):c.62A>G (p.Tyr21Cys)

Genes: FXYD2 (FXYD domain containing ion transport regulator 2; minus strand), FXYD6-FXYD2 (FXYD6-FXYD2 readthrough; minus strand). Cytogenetic location: 11q23.3.
Variant type: single nucleotide variant.
Coding change: c.62A>G on transcript NM_001680.5 (MANE Select); coding-DNA position 62, A replaced by G.
Protein change: p.Tyr21Cys; replaces tyrosine 21 with cysteine.
Molecular consequence: missense variant. On other transcripts: synonymous variant (1).
Genome position (GRCh38, 1-based): chr11:117,822,681, T>C on the plus strand (A>G on the coding strand, the complement: FXYD2 is on the minus strand). VCF-style: chr11-117822681-T-C. GRCh37 (hg19) VCF-style: chr11-117693396-T-C.
Other names: c.296A>G, p.Tyr99Cys (NM_001204268.3); c.309A>G, p.Leu103= (NM_001243598.4); c.56A>G, p.Tyr19Cys (NM_021603.4); short protein forms Y19C, Y21C, Y99C.
Identifiers: ClinVar variation 2785977 (VCV002785977.3), dbSNP rs2055937053, ClinGen allele CA382762938.

ClinVar aggregate classification (germline): Uncertain significance (1 of 4 stars; one submission).

Submission:

Labcorp Genetics (formerly Invitae), Labcorp
Classification: Uncertain significance. Last evaluated: 2023-10-17. Review status: criteria provided, single submitter. Criteria: Invitae Variant Classification Sherloc (09022015). Collection method: clinical testing. Allele origin: germline.
Comment: This sequence change replaces tyrosine, which is neutral and polar, with cysteine, which is neutral and slightly polar, at codon 21 of the FXYD2 protein (p.Tyr21Cys). This variant is not present in population databases (gnomAD no frequency). This variant has not been reported in the literature in individuals affected with FXYD2-related conditions. An algorithm developed to predict the effect of missense changes on protein structure and function (PolyPhen-2) suggests that this variant is likely to be disruptive. In summary, the available evidence is currently insufficient to determine the role of this variant in disease. Therefore, it has been classified as a Variant of Uncertain Significance.